The following is an entry in ClinVar:

NC_000014.8:g.(?_31549759)_(31554088_?)dup

Gene: AP4S1 (adaptor related protein complex 4 subunit sigma 1; plus strand). Cytogenetic location: 14q12.
Variant type: Duplication.
Identifiers: ClinVar variation 2425685 (VCV002425685.3).

ClinVar aggregate classification (germline): Uncertain significance (1 of 4 stars; one submission).

Conditions:
Spastic paraplegia. Identifiers: MedGen C0037772, HP:0001258.

Submission:

Labcorp Genetics (formerly Invitae), Labcorp
Classification: Uncertain significance for Spastic paraplegia. Last evaluated: 2022-02-24. Review status: criteria provided, single submitter. Criteria: Invitae Variant Classification Sherloc (09022015). Collection method: clinical testing. Allele origin: germline.
Comment: This variant results in a copy number gain of the genomic region encompassing exon(s) 5-6 of the AP4S1 gene. This region includes the termination codon of the gene. This copy number gain extends beyond the assayed region for this gene and therefore may encompass additional genes. As the precise location of this event is unknown, it may be in tandem or it may be located elsewhere in the genome. This variant has not been reported in the literature in individuals affected with AP4S1-related conditions. In summary, the available evidence is currently insufficient to determine the role of this variant in disease. Therefore, it has been classified as a Variant of Uncertain Significance.